The following is an entry in ClinVar:

ClinVar aggregate classification (germline): Uncertain significance (0 of 4 stars; one submission).

Conditions:
CEP164-related disorder. Also called: CEP164-related condition.

Submission:

PreventionGenetics, part of Exact Sciences
Classification: Uncertain significance for CEP164-related condition. Last evaluated: 2024-09-25. Review status: no assertion criteria provided. Collection method: clinical testing. Allele origin: germline.
Comment: The CEP164 c.1922A>G variant is predicted to result in the amino acid substitution p.Glu641Gly. To our knowledge, this variant has not been reported in the literature or in a large population database, indicating this variant is rare. At this time, the clinical significance of this variant is uncertain due to the absence of conclusive functional and genetic evidence.

NM_014956.5(CEP164):c.1922A>G (p.Glu641Gly)

Gene: CEP164 (centrosomal protein 164; plus strand). Cytogenetic location: 11q23.3.
Variant type: single nucleotide variant.
Coding change: c.1922A>G on transcript NM_014956.5 (MANE Select); coding-DNA position 1922, A replaced by G.
Protein change: p.Glu641Gly; replaces glutamic acid 641 with glycine.
Molecular consequence: missense variant.
Genome position (GRCh38, 1-based): chr11:117,387,400, A>G. VCF-style: chr11-117387400-A-G. GRCh37 (hg19) VCF-style: chr11-117258116-A-G.
Other names: c.1931A>G, p.Glu644Gly (NM_001271933.2); short protein forms E641G, E644G.
Identifiers: ClinVar variation 3344806 (VCV003344806.1).